The following is an entry in ClinVar:

NM_000399.5(EGR2):c.840G>C (p.Val280=)

Gene: EGR2 (early growth response 2; minus strand). Cytogenetic location: 10q21.3.
Variant type: single nucleotide variant.
Coding change: c.840G>C on transcript NM_000399.5 (MANE Select); coding-DNA position 840, G replaced by C.
Protein change: p.Val280=; no amino-acid change (valine 280 retained).
Molecular consequence: synonymous variant.
Genome position (GRCh38, 1-based): chr10:62,813,798, C>G on the plus strand (G>C on the coding strand, the complement: EGR2 is on the minus strand). VCF-style: chr10-62813798-C-G. GRCh37 (hg19) VCF-style: chr10-64573558-C-G.
Other names: c.840G>C (NM_000399.4); c.840G>C, p.Val280= (NM_001136177.3, NM_001136178.2); c.690G>C, p.Val230= (NM_001136179.3, NM_001321037.2).
Identifiers: ClinVar variation 696509 (VCV000696509.51), dbSNP rs563282095, ClinGen allele CA5517215.
Genomic context (GRCh38, chr10:62,813,798, plus strand): 5'-TGCTGAGCTGCTACCAGGCAGCCGGGGTCCCTCGCTGCCTCCACTGGCCCCTGGTCCGGT[C>G]ACCCCAGCACTGGGGCCCCCCAGGGTAAAGTTACGGATTGTAGAGAGTGGAGTGAGTGGA-3'
Protein context (NP_000390.2, residues 270-290): NFTLGGPSAG[Val280=]TGPGASGGSE

ClinVar aggregate classification (germline): Likely benign. Review status: criteria provided, multiple submitters, no conflicts (2 of 4 stars). 5 submissions from 5 submitters: Likely benign (5). Last evaluated 2026-05-27.

Conditions:
EGR2-related disorder. Also called: EGR2-related condition.
Charcot-Marie-Tooth disease, type I (CMT1). Also called: Charcot-Marie-Tooth, Type 1; Charcot-Marie-Tooth disease type 1. Identifiers: Orphanet 65753, MedGen C0751036, MONDO:0019011.

Allele frequency attached by ClinVar (database versions not stated): gnomAD 0.00006; gnomAD exomes 0.00006 and 0.00008; ExAC 0.00008; TOPMed 0.00008.

Submissions (5):

PreventionGenetics, part of Exact Sciences
Classification: Likely benign for EGR2-related condition. Last evaluated: 2026-05-27. Review status: criteria provided, single submitter. Criteria: ACMG Guidelines, 2015. Collection method: clinical testing. Allele origin: germline.
Comment: This variant is classified as likely benign based on ACMG/AMP sequence variant interpretation guidelines (Richards et al. 2015 PMID: 25741868, with internal and published modifications).

ARUP Laboratories, Molecular Genetics and Genomics, ARUP Laboratories
Classification: Likely benign. Last evaluated: 2025-07-09. Review status: criteria provided, single submitter. Criteria: ARUP Molecular Germline Variant Investigation Process 2024. Collection method: clinical testing. Allele origin: germline.

Labcorp Genetics (formerly Invitae), Labcorp
Classification: Likely benign for Charcot-Marie-Tooth disease, type I. Last evaluated: 2024-10-19. Review status: criteria provided, single submitter. Criteria: Invitae Variant Classification Sherloc (09022015). Collection method: clinical testing. Allele origin: germline.

CeGaT Center for Human Genetics Tuebingen
Classification: Likely benign. Last evaluated: 2020-11-01. Review status: criteria provided, single submitter. Criteria: CeGaT Center For Human Genetics Tuebingen Variant Classification Criteria Version 2. Collection method: clinical testing. Allele origin: germline. Affected: yes. Observed: 1 variant allele.

GeneDx
Classification: Likely benign. Last evaluated: 2019-07-18. Review status: criteria provided, single submitter. Criteria: GeneDx Variant Classification Process June 2021. Collection method: clinical testing. Allele origin: germline. Affected: yes.